The following is an entry in ClinVar:

NM_024529.5(CDC73):c.640G>A (p.Val214Met)

Gene: CDC73 (cell division cycle 73; plus strand). Cytogenetic location: 1q31.2.
Variant type: single nucleotide variant.
Coding change: c.640G>A on transcript NM_024529.5 (MANE Select); coding-DNA position 640, G replaced by A.
Protein change: p.Val214Met; replaces valine 214 with methionine.
Molecular consequence: missense variant.
Genome position (GRCh38, 1-based): chr1:193,141,977, G>A. VCF-style: chr1-193141977-G-A. GRCh37 (hg19) VCF-style: chr1-193111107-G-A.
Other names: short protein forms V214M.
Identifiers: ClinVar variation 943926 (VCV000943926.10), dbSNP rs1675913675, ClinGen allele CA343962639.

ClinVar aggregate classification (germline): Uncertain significance (1 of 4 stars; one submission).

Conditions:
Parathyroid carcinoma (PRTC). Also called: Parathyroid gland carcinoma; CDC73-Related Parathyroid Carcinoma. Identifiers: Orphanet 143, MedGen C0687150, MONDO:0012004, OMIM 608266, HP:0006780.

Submission:

Labcorp Genetics (formerly Invitae), Labcorp
Classification: Uncertain significance for Parathyroid carcinoma. Last evaluated: 2019-05-07. Review status: criteria provided, single submitter. Criteria: Invitae Variant Classification Sherloc (09022015). Collection method: clinical testing. Allele origin: germline.
Comment: This sequence change replaces valine with methionine at codon 214 of the CDC73 protein (p.Val214Met). The valine residue is moderately conserved and there is a small physicochemical difference between valine and methionine. This variant is not present in population databases (ExAC no frequency). In summary, the available evidence is currently insufficient to determine the role of this variant in disease. Therefore, it has been classified as a Variant of Uncertain Significance. Algorithms developed to predict the effect of missense changes on protein structure and function are either unavailable or do not agree on the potential impact of this missense change (SIFT: "Deleterious"; PolyPhen-2: "Possibly Damaging"; Align-GVGD: "Class C0"). This variant has not been reported in the literature in individuals with CDC73-related conditions.